The following is an entry in ClinVar:

ClinVar aggregate classification (germline): Likely benign (1 of 4 stars; one submission).

Conditions:
Hereditary breast ovarian cancer syndrome. Also called: Hereditary breast and ovarian cancer; Hereditary breast and ovarian cancer syndrome (HBOC); Breast and ovarian cancer; Hereditary breast and/or ovarian cancer syndrome; BRCA1- and BRCA2-Associated Hereditary Breast and Ovarian Cancer; Hereditary breast and ovarian cancer syndrome. Identifiers: Orphanet 145, MedGen C0677776, MeSH D061325, MONDO:0003582. Disease mechanism: loss of function.

gnomAD v4.1: 1 of 1,613,784 alleles (0.000062%); highest among the groups gnomAD compares: African/African-American, 0.0013%; no homozygotes.

Submissions (2):

Labcorp Genetics (formerly Invitae), Labcorp
Classification: Likely benign for Hereditary breast ovarian cancer syndrome. Last evaluated: 2024-12-12. Review status: criteria provided, single submitter. Criteria: Invitae Variant Classification Sherloc (09022015). Collection method: clinical testing. Allele origin: germline.

Brotman Baty Institute, University of Washington
No classification provided (evidence only). Condition: Breast-ovarian cancer, familial 1. Review status: no classification provided. Collection method: in vitro. Allele origin: not applicable. Functional consequence: functionally_normal. Not counted in ClinVar's aggregate classification.
ClinVar note: "not provided" was previously submitted as the classification for the variant. However, the classification appeared to be based only on an observation of functional data so it was converted to no classification on 2025-07-30.

NM_007294.4(BRCA1):c.5562G>C (p.Leu1854=)

Gene: BRCA1 (BRCA1 DNA repair associated; minus strand). Cytogenetic location: 17q21.31.
Variant type: single nucleotide variant.
Coding change: c.5562G>C on transcript NM_007294.4 (MANE Select); coding-DNA position 5562, G replaced by C.
Protein change: p.Leu1854=; no amino-acid change (leucine 1854 retained).
Molecular consequence: synonymous variant. On other transcripts: 3 prime UTR variant (17).
Genome position (GRCh38, 1-based): chr17:43,045,708, C>G on the plus strand (G>C on the coding strand, the complement: BRCA1 is on the minus strand). VCF-style: chr17-43045708-C-G. GRCh37 (hg19) VCF-style: chr17-41197725-C-G.
Other names: c.5421G>C, p.Leu1807= (NM_001407697.1, NM_001407698.1, NM_001407724.1 and 12 more transcripts); c.5418G>C, p.Leu1806= (NM_001407732.1, NM_001407733.1, NM_001407734.1 and 18 more transcripts); c.5415G>C, p.Leu1805= (NM_001407838.1, NM_001407839.1, NM_001407841.1 and 12 more transcripts); c.*76G>C (NM_001407854.1, NM_001407858.1, NM_001407859.1 and 14 more transcripts); c.5361G>C, p.Leu1787= (NM_001407862.1); c.5358G>C, p.Leu1786= (NM_001407863.1); c.5355G>C, p.Leu1785= (NM_001407874.1, NM_001407875.1); c.5352G>C, p.Leu1784= (NM_001407879.1, NM_001407881.1, NM_001407882.1 and 5 more transcripts); and 74 more.
Identifiers: ClinVar variation 868674 (VCV000868674.6), dbSNP rs786201648, ClinGen allele CA500142880.